The following is an entry in ClinVar:

NM_005460.4(SNCAIP):c.2148C>T (p.Ser716=)

Genes: SNCAIP (synuclein alpha interacting protein; plus strand), SNCAIP-AS3 (SNCAIP antisense RNA 3; minus strand). Cytogenetic location: 5q23.2.
Variant type: single nucleotide variant.
Coding change: c.2148C>T on transcript NM_005460.4 (MANE Select); coding-DNA position 2148, C replaced by T.
Protein change: p.Ser716=; no amino-acid change (serine 716 retained).
Molecular consequence: synonymous variant. On other transcripts: non-coding transcript variant (2).
Genome position (GRCh38, 1-based): chr5:122,450,995, C>T. VCF-style: chr5-122450995-C-T. GRCh37 (hg19) VCF-style: chr5-121786690-C-T.
Other names: c.1050C>T, p.Ser350= (NM_001242935.3, NM_001308107.2); c.2289C>T, p.Ser763= (NM_001308100.2); c.1968C>T, p.Ser656= (NM_001308105.1); c.1044C>T, p.Ser348= (NM_001308106.1); c.1230C>T, p.Ser410= (NM_001308108.1); c.936C>T, p.Ser312= (NM_001308109.2).
Identifiers: ClinVar variation 350501 (VCV000350501.5), dbSNP rs536468779, ClinGen allele CA3385038.
Genomic context (GRCh38, chr5:122,450,995, plus strand): 5'-TGACCGACCAAGGCCGCAGCCCATTGTAGAAAGCGTAGAGAGTATGGACAGCGCAGAAAG[C>T]CTGCACCTGATGATTAAGAAACACACCTTGGCATCAGGGGGACGCAGGTTTCCTTTCAGC-3'
Protein context (NP_005451.2, residues 706-726): ESVESMDSAE[Ser716=]LHLMIKKHTL

ClinVar aggregate classification (germline): Likely benign (1 of 4 stars; one submission).

Conditions:
Parkinson Disease, Dominant/Recessive.

Allele frequency attached by ClinVar (database versions not stated): gnomAD 0.00001; TOPMed 0.00003; gnomAD exomes 0.00004; ExAC 0.00007; 1000 Genomes Project 30x 0.00016; 1000 Genomes Project 0.00020.
gnomAD v4.1: 16 of 1,614,124 alleles (0.00099%); highest among the groups gnomAD compares: East Asian, 0.016%; no homozygotes.

Submission:

Illumina Laboratory Services, Illumina
Classification: Likely benign for Parkinson Disease, Dominant/Recessive. Last evaluated: 2018-01-13. Review status: criteria provided, single submitter. Criteria: ICSL Variant Classification Criteria 13 December 2019. Collection method: clinical testing. Allele origin: germline.
Comment: This variant was observed in the ICSL laboratory as part of a predisposition screen in an ostensibly healthy population. It had not been previously curated by ICSL or reported in the Human Gene Mutation Database (HGMD: prior to June 1st, 2018), and was therefore a candidate for classification through an automated scoring system. Utilizing variant allele frequency, disease prevalence and penetrance estimates, and inheritance mode, an automated score was calculated to assess if this variant is too frequent to cause the disease. Based on the score and internal cut-off values, a variant classified as likely benign is not then subjected to further curation. The score for this variant resulted in a classification of likely benign for this disease.